The following is an entry in ClinVar:

NM_000235.4(LIPA):c.615del (p.Val206fs)

Gene: LIPA (lipase A, lysosomal acid type; minus strand). Cytogenetic location: 10q23.31.
Variant type: Deletion.
Coding change: c.615del on transcript NM_000235.4 (MANE Select); coding-DNA position 615, one base deleted (C; older notation c.615delC).
Protein change: p.Val206fs; shifts the reading frame from valine 206.
Molecular consequence: frameshift variant.
Genome position (GRCh38, 1-based): chr10:89,225,152, G deleted on the plus strand (C on the coding strand, the reverse complement: LIPA is on the minus strand); the first of 2 consecutive G bases (chr10:89,225,152-89,225,153); deleting either gives the same sequence. VCF-style (leftmost placement, unchanged base first): chr10-89225151-CG-C. GRCh37 (hg19) VCF-style: chr10-90984908-CG-C.
Other names: c.615del, p.Val206fs (NM_001127605.3); c.267del, p.Val90fs (NM_001288979.2); short protein forms V206fs, V90fs.
Identifiers: ClinVar variation 4069962 (VCV004069962.2).

ClinVar aggregate classification (germline): Likely pathogenic (1 of 4 stars; one submission).

Conditions:
Lysosomal acid lipase deficiency. Also called: Acid cholesteryl ester hydrolase deficiency, type 2. Identifiers: Orphanet 275761, MedGen C5574740, MONDO:0800449, MONDO:0010204.

Submission:

Natera, Inc.
Classification: Likely pathogenic for Lysosomal acid lipase deficiency. Last evaluated: 2025-03-17. Review status: criteria provided, single submitter. Criteria: Natera Variant Classification Schema (03/2026). Collection method: clinical testing. Allele origin: germline.
Comment: The c.615del variant in LIPA is a frameshift variant predicted to shift the reading frame beginning at codon 206 and leads to a stop codon 11 codons downstream. This variant is expected to result in nonsense mediated decay, truncation, or a dysfunctional protein product. This variant is rare in the general population with a frequency below the threshold expected for the associated phenotype(s). Given the available evidence, this variant is classified as Likely Pathogenic.